The following is an entry in ClinVar:

NM_001079.4(ZAP70):c.520G>A (p.Glu174Lys)

Gene: ZAP70 (zeta chain of T cell receptor associated protein kinase 70; plus strand). Cytogenetic location: 2q11.2.
Variant type: single nucleotide variant.
Coding change: c.520G>A on transcript NM_001079.4 (MANE Select); coding-DNA position 520, G replaced by A.
Protein change: p.Glu174Lys; replaces glutamic acid 174 with lysine.
Molecular consequence: missense variant.
Genome position (GRCh38, 1-based): chr2:97,725,209, G>A. VCF-style: chr2-97725209-G-A. GRCh37 (hg19) VCF-style: chr2-98341672-G-A.
Other names: c.520G>A (NM_001079.3); c.520G>A, p.Glu174Lys (NM_001378594.1); short protein forms E174K.
Identifiers: ClinVar variation 1485489 (VCV001485489.9), dbSNP rs764657700, ClinGen allele CA1790108.

ClinVar aggregate classification (germline): Uncertain significance. Review status: criteria provided, multiple submitters, no conflicts (2 of 4 stars). 2 submissions from 2 submitters: Uncertain significance (2). Last evaluated 2024-01-02.

Conditions:
Combined immunodeficiency due to ZAP70 deficiency (IMD48). Also called: ZAP70 Deficiency; Immunodeficiency 48. Identifiers: Orphanet 911, MedGen C2931299, MONDO:0010023, OMIM 269840.

Allele frequency attached by ClinVar (database versions not stated): TOPMed 0.00001; ExAC 0.00001; gnomAD 0.00001; gnomAD exomes below 0.00001.

Submissions (2):

GeneDx
Classification: Uncertain significance. Last evaluated: 2024-01-02. Review status: criteria provided, single submitter. Criteria: GeneDx Variant Classification Process June 2021. Collection method: clinical testing. Allele origin: germline. Affected: yes.
Comment: Not observed at significant frequency in large population cohorts (gnomAD); In silico analysis supports that this missense variant has a deleterious effect on protein structure/function; Has not been previously published as pathogenic or benign to our knowledge

Labcorp Genetics (formerly Invitae), Labcorp
Classification: Uncertain significance for Combined immunodeficiency due to ZAP70 deficiency. Last evaluated: 2023-11-19. Review status: criteria provided, single submitter. Criteria: Invitae Variant Classification Sherloc (09022015). Collection method: clinical testing. Allele origin: germline.
Comment: This sequence change replaces glutamic acid, which is acidic and polar, with lysine, which is basic and polar, at codon 174 of the ZAP70 protein (p.Glu174Lys). This variant is present in population databases (rs764657700, gnomAD 0.007%). This variant has not been reported in the literature in individuals affected with ZAP70-related conditions. ClinVar contains an entry for this variant (Variation ID: 1485489). An algorithm developed to predict the effect of missense changes on protein structure and function (PolyPhen-2) suggests that this variant is likely to be disruptive. In summary, the available evidence is currently insufficient to determine the role of this variant in disease. Therefore, it has been classified as a Variant of Uncertain Significance.